The following is an entry in ClinVar:

ClinVar aggregate classification (germline): Uncertain significance. Review status: criteria provided, multiple submitters, no conflicts (2 of 4 stars). 2 submissions from 2 submitters: Uncertain significance (2). Last evaluated 2025-08-30.

Conditions:
Inborn genetic diseases. Identifiers: MedGen C0950123, MeSH D030342.

gnomAD v4.1: 6 of 1,611,908 alleles (0.00037%); highest among the groups gnomAD compares: Non-Finnish European, 0.00051%; no homozygotes.

Submissions (2):

Ambry Genetics
Classification: Uncertain significance for Inborn genetic diseases. Last evaluated: 2025-08-30. Review status: criteria provided, single submitter. Criteria: Ambry Variant Classification Scheme 2023. Collection method: clinical testing. Allele origin: germline.

GeneDx
Classification: Uncertain significance. Last evaluated: 2024-10-25. Review status: criteria provided, single submitter. Criteria: GeneDx Variant Classification Process June 2021. Collection method: clinical testing. Allele origin: germline. Affected: yes.
Comment: Not observed at significant frequency in large population cohorts (gnomAD); In silico analysis supports that this missense variant has a deleterious effect on protein structure/function; Has not been previously published as pathogenic or benign to our knowledge

NM_032119.4(ADGRV1):c.2687G>T (p.Gly896Val)

Gene: ADGRV1 (adhesion G protein-coupled receptor V1; plus strand). Cytogenetic location: 5q14.3.
Variant type: single nucleotide variant.
Coding change: c.2687G>T on transcript NM_032119.4 (MANE Select); coding-DNA position 2687, G replaced by T.
Protein change: p.Gly896Val; replaces glycine 896 with valine.
Molecular consequence: missense variant. On other transcripts: non-coding transcript variant (1).
Genome position (GRCh38, 1-based): chr5:90,643,936, G>T. VCF-style: chr5-90643936-G-T. GRCh37 (hg19) VCF-style: chr5-89939753-G-T.
Other names: short protein forms G896V.
Identifiers: ClinVar variation 3893485 (VCV003893485.2).